The following is an entry in ClinVar:

NM_152722.5(HEPACAM):c.911G>A (p.Arg304Gln)

Gene: HEPACAM (hepatic and glial cell adhesion molecule; minus strand). Cytogenetic location: 11q24.2.
Variant type: single nucleotide variant.
Coding change: c.911G>A on transcript NM_152722.5 (MANE Select); coding-DNA position 911, G replaced by A.
Protein change: p.Arg304Gln; replaces arginine 304 with glutamine.
Molecular consequence: missense variant.
Genome position (GRCh38, 1-based): chr11:124,922,425, C>T on the plus strand (G>A on the coding strand, the complement: HEPACAM is on the minus strand). VCF-style: chr11-124922425-C-T. GRCh37 (hg19) VCF-style: chr11-124792321-C-T.
Other names: c.911G>A (NM_152722.4); short protein forms R304Q.
Identifiers: ClinVar variation 1488015 (VCV001488015.9), dbSNP rs369377373, ClinGen allele CA6345568.

ClinVar aggregate classification (germline): Uncertain significance. Review status: criteria provided, multiple submitters, no conflicts (2 of 4 stars). 2 submissions from 2 submitters: Uncertain significance (2). Last evaluated 2025-06-16.

Conditions:
Inborn genetic diseases. Identifiers: MedGen C0950123, MeSH D030342.

Allele frequency attached by ClinVar (database versions not stated): ExAC 0.00001; gnomAD exomes 0.00001; TOPMed 0.00002; gnomAD 0.00003; ESP Exome Variant Server 0.00008.
gnomAD v4.1: 19 of 1,614,036 alleles (0.0012%); highest among the groups gnomAD compares: South Asian, 0.0033%; no homozygotes.

Submissions (2):

Labcorp Genetics (formerly Invitae), Labcorp
Classification: Uncertain significance. Last evaluated: 2025-06-16. Review status: criteria provided, single submitter. Criteria: Invitae Variant Classification Sherloc (09022015). Collection method: clinical testing. Allele origin: germline.
Comment: This sequence change replaces arginine, which is basic and polar, with glutamine, which is neutral and polar, at codon 304 of the HEPACAM protein (p.Arg304Gln). This variant is present in population databases (rs369377373, gnomAD 0.002%). This variant has not been reported in the literature in individuals affected with HEPACAM-related conditions. ClinVar contains an entry for this variant (Variation ID: 1488015). Invitae Evidence Modeling of protein sequence and biophysical properties (such as structural, functional, and spatial information, amino acid conservation, physicochemical variation, residue mobility, and thermodynamic stability) indicates that this missense variant is not expected to disrupt HEPACAM protein function with a negative predictive value of 95%. In summary, the available evidence is currently insufficient to determine the role of this variant in disease. Therefore, it has been classified as a Variant of Uncertain Significance.

Ambry Genetics
Classification: Uncertain significance for Inborn genetic diseases. Last evaluated: 2022-07-08. Review status: criteria provided, single submitter. Criteria: Ambry Variant Classification Scheme 2023. Collection method: clinical testing. Allele origin: germline.